The following is an entry in ClinVar:

NM_000342.4(SLC4A1):c.92T>C (p.Met31Thr)

Gene: SLC4A1 (solute carrier family 4 member 1 (Diego blood group); minus strand). Cytogenetic location: 17q21.31.
Variant type: single nucleotide variant.
Coding change: c.92T>C on transcript NM_000342.4 (MANE Select); coding-DNA position 92, T replaced by C.
Protein change: p.Met31Thr; replaces methionine 31 with threonine.
Molecular consequence: missense variant.
Genome position (GRCh38, 1-based): chr17:44,262,650, A>G on the plus strand (T>C on the coding strand, the complement: SLC4A1 is on the minus strand). VCF-style: chr17-44262650-A-G. GRCh37 (hg19) VCF-style: chr17-42340018-A-G.
Other names: short protein forms M31T.
Identifiers: ClinVar variation 729287 (VCV000729287.15), dbSNP rs55773290, ClinGen allele CA8600736.
Genomic context (GRCh38, chr17:44,262,650, plus strand): 5'-TAGGGCTCAGCAGCTCATCCCAGCTGAGGGAGGGAGAGGGGCTCACCTGCCGGCTCCTCC[A>G]TCTGGGACTCGGGGATGTCTGGGTCTTCATATTCCTCCTGCTCCAGATTCTCCTCCATCA-3'
Protein context (NP_000333.1, residues 21-41): YEDPDIPESQ[Met31Thr]EEPAAHDTEA

ClinVar aggregate classification (germline): Benign/Likely benign. Review status: criteria provided, multiple submitters, no conflicts (2 of 4 stars). 6 submissions from 4 submitters: Benign (1); Likely benign (5). Last evaluated 2026-03-27.

Conditions:
Hereditary spherocytosis type 4. Also called: SLC4A1-Related Spherocytosis. Identifiers: Orphanet 822, MedGen C2675212, MONDO:0012981, OMIM 612653.
Autosomal dominant distal renal tubular acidosis (DRTA1). Also called: Renal Tubular Acidosis, Type I; RTA, CLASSIC TYPE; RTA, DISTAL TYPE, AUTOSOMAL DOMINANT; RTA, GRADIENT TYPE; RENAL TUBULAR ACIDOSIS, DISTAL, 1. Identifiers: Orphanet 93608, MedGen CN280572, MONDO:0008368, OMIM 179800.
SLC4A1-related disorder. Also called: SLC4A1-related disorders; SLC4A1-related condition.
Hemolytic anemia. Identifiers: MedGen C0002878, MONDO:0003664, HP:0001878.

Allele frequency attached by ClinVar (database versions not stated): TOPMed 0.00031; 1000 Genomes Project 0.00140; 1000 Genomes Project 30x 0.00156.
gnomAD v4.1: 143 of 1,612,710 alleles (0.0089%); highest among the groups gnomAD compares: East Asian, 0.27%; no homozygotes.

Submissions (6):

PreventionGenetics, part of Exact Sciences
Classification: Likely benign for SLC4A1-related condition. Last evaluated: 2026-03-27. Review status: criteria provided, single submitter. Criteria: ACMG Guidelines, 2015. Collection method: clinical testing. Allele origin: germline.
Comment: This variant is classified as likely benign based on ACMG/AMP sequence variant interpretation guidelines (Richards et al. 2015 PMID: 25741868, with internal and published modifications).

Labcorp Genetics (formerly Invitae), Labcorp
Classification: Likely benign. Last evaluated: 2025-10-03. Review status: criteria provided, single submitter. Criteria: Invitae Variant Classification Sherloc (09022015). Collection method: clinical testing. Allele origin: germline.

ARUP Laboratories, Molecular Genetics and Genomics, ARUP Laboratories
Classification: Likely benign. Last evaluated: 2024-09-19. Review status: criteria provided, single submitter. Criteria: ARUP Molecular Germline Variant Investigation Process 2024. Collection method: clinical testing. Allele origin: germline.

Illumina Laboratory Services, Illumina
Classification: Likely benign for Hereditary spherocytosis type 4. Last evaluated: 2017-04-27. Review status: criteria provided, single submitter. Criteria: ICSL Variant Classification Criteria 13 December 2019. Collection method: clinical testing. Allele origin: germline.
Comment: This variant was observed as part of a predisposition screen in an ostensibly healthy population. A literature search was performed for the gene, cDNA change, and amino acid change (where applicable). No publications were found based on this search. Allele frequency data from public databases allowed determination this variant is unlikely to cause disease. Therefore, this variant is classified as likely benign.

Illumina Laboratory Services, Illumina
Classification: Likely benign for Hemolytic anemia. Last evaluated: 2017-04-27. Review status: criteria provided, single submitter. Criteria: ICSL Variant Classification Criteria 13 December 2019. Collection method: clinical testing. Allele origin: germline.
Comment: the same text as in the submission from Illumina Laboratory Services, Illumina above.

Illumina Laboratory Services, Illumina
Classification: Benign for Autosomal dominant distal renal tubular acidosis. Last evaluated: 2017-04-27. Review status: criteria provided, single submitter. Criteria: ICSL Variant Classification Criteria 13 December 2019. Collection method: clinical testing. Allele origin: germline.
Comment: This variant was observed as part of a predisposition screen in an ostensibly healthy population. A literature search was performed for the gene, cDNA change, and amino acid change (where applicable). No publications were found based on this search. Allele frequency data from public databases was too high to be consistent with this variant causing disease. Therefore, this variant is classified as benign.